The following is an entry in ClinVar:

ClinVar aggregate classification (germline): Uncertain significance (1 of 4 stars; one submission).

Conditions:
Hereditary hemorrhagic telangiectasia (HHT). Also called: ORW DISEASE; Osler Weber Rendu syndrome; OSLER-RENDU-WEBER DISEASE; Osler hemorrhagic telangiectasia syndrome. Identifiers: Orphanet 774, MedGen C0039445, MONDO:0019180. Disease mechanism: loss of function.

Submission:

Labcorp Genetics (formerly Invitae), Labcorp
Classification: Uncertain significance for Hereditary hemorrhagic telangiectasia. Last evaluated: 2021-09-26. Review status: criteria provided, single submitter. Criteria: Invitae Variant Classification Sherloc (09022015). Collection method: clinical testing. Allele origin: germline.
Comment: In summary, the available evidence is currently insufficient to determine the role of this variant in disease. Therefore, it has been classified as a Variant of Uncertain Significance. This variant has not been reported in the literature in individuals affected with ENG-related conditions. A copy number gain of the genomic region encompassing the full coding sequence of the ENG gene has been identified. The boundaries of this event are unknown as they extend beyond the assayed region for this gene and therefore may encompass additional genes. As the precise location of this event is unknown, it may be in tandem or it may be located elsewhere in the genome.

NC_000009.11:g.(?_130578190)_(130616640_?)dup

Gene: ENG (endoglin; minus strand). Cytogenetic location: 9q34.11.
Variant type: Duplication.
Identifiers: ClinVar variation 1441740 (VCV001441740.6).